The following is an entry in ClinVar:

NM_005548.3(KARS1):c.944T>C (p.Val315Ala)

Gene: KARS1 (lysyl-tRNA synthetase 1; minus strand). Cytogenetic location: 16q23.1.
Variant type: single nucleotide variant.
Coding change: c.944T>C on transcript NM_005548.3 (MANE Select); coding-DNA position 944, T replaced by C.
Protein change: p.Val315Ala; replaces valine 315 with alanine.
Molecular consequence: missense variant.
Genome position (GRCh38, 1-based): chr16:75,631,827, A>G on the plus strand (T>C on the coding strand, the complement: KARS1 is on the minus strand). VCF-style: chr16-75631827-A-G. GRCh37 (hg19) VCF-style: chr16-75665725-A-G.
Other names: c.1028T>C, p.Val343Ala (NM_001130089.2); c.476T>C, p.Val159Ala (NM_001378148.1); short protein forms V343A, V159A, V315A.
Identifiers: ClinVar variation 3112685 (VCV003112685.3), dbSNP rs375699349, ClinGen allele CA284320921.

ClinVar aggregate classification (germline): Conflicting classifications of pathogenicity. Review status: criteria provided, conflicting classifications (1 of 4 stars). 3 submissions from 3 submitters: Likely pathogenic (1); Uncertain significance (1). 1 of the submissions does not count toward it. Last evaluated 2024-01-17.

Conditions:
Autosomal recessive nonsyndromic hearing loss 89. Also called: Deafness, autosomal recessive 89. Identifiers: Orphanet 90636, MedGen C3151351, MONDO:0013489, OMIM 613916.
Leukoencephalopathy, progressive, infantile-onset, with or without deafness. Identifiers: MedGen C5542996, MONDO:0030893, OMIM 619147.

Allele frequency attached by ClinVar (database versions not stated): TOPMed below 0.00001; gnomAD 0.00001; gnomAD exomes 0.00001; ESP Exome Variant Server 0.00008.
gnomAD v4.1: 12 of 1,613,586 alleles (0.00074%); highest among the groups gnomAD compares: Non-Finnish European, 0.00093%; no homozygotes.

Submissions (3):

MVZ Medizinische Genetik Mainz
Classification: Likely pathogenic for Autosomal recessive nonsyndromic hearing loss 89. Last evaluated: 2024-01-17. Review status: criteria provided, single submitter. Criteria: UK Practice Guidelines For Variant Classification V4 01 2020. Collection method: clinical testing. Allele origin: germline. Inheritance: Autosomal recessive inheritance. Affected: yes. Observed: 1 variant allele.
Comment: ACMG Criteria: PP3_MOD,PM2_SUP,PP4; Compound Heterozygote

Ambry Genetics
Classification: Uncertain significance. Last evaluated: 2022-11-30. Review status: criteria provided, single submitter. Criteria: Ambry Variant Classification Scheme 2023. Collection method: clinical testing. Allele origin: germline.

Laboratory of Dr. Barbara Vona, University Medical Center Göttingen
Classification: Likely pathogenic for Leukoencephalopathy, progressive, infantile-onset, with or without deafness. Last evaluated: 2025-07-01. Review status: no assertion criteria provided. Collection method: clinical testing. Allele origin: germline. Affected: yes. Not counted in ClinVar's aggregate classification.